The following is an entry in ClinVar:

NM_000246.4(CIITA):c.937+2T>C

Gene: CIITA (class II major histocompatibility complex transactivator; plus strand). Cytogenetic location: 16p13.13.
Variant type: single nucleotide variant.
Coding change: c.937+2T>C on transcript NM_000246.4 (MANE Select); the canonical splice donor site of the intron after coding-DNA position 937, T replaced by C.
Molecular consequence: splice donor variant.
Genome position (GRCh38, 1-based): chr16:10,903,897, T>C. VCF-style: chr16-10903897-T-C. GRCh37 (hg19) VCF-style: chr16-10997754-T-C.
Other names: c.940+2T>C (NM_001286402.1, NM_001379332.1); c.793+2T>C (NM_001379330.1); c.937+2T>C (NM_001379333.1); c.790+2T>C (NM_001379331.1, NM_001286403.2); c.868+2T>C (NM_001379334.1).
Identifiers: ClinVar variation 2045906 (VCV002045906.4), dbSNP rs2544432408, ClinGen allele CA394729420.

ClinVar aggregate classification (germline): Likely pathogenic (1 of 4 stars; one submission).

Conditions:
MHC class II deficiency. Also called: Bare lymphocyte syndrome 2; BLS, TYPE II. Identifiers: Orphanet 572, MedGen C5447452, MONDO:0008855.

Submission:

Labcorp Genetics (formerly Invitae), Labcorp
Classification: Likely pathogenic for MHC class II deficiency. Last evaluated: 2021-12-18. Review status: criteria provided, single submitter. Criteria: Invitae Variant Classification Sherloc (09022015). Collection method: clinical testing. Allele origin: germline.
Comment: In summary, the currently available evidence indicates that the variant is pathogenic, but additional data are needed to prove that conclusively. Therefore, this variant has been classified as Likely Pathogenic. Algorithms developed to predict the effect of sequence changes on RNA splicing suggest that this variant may disrupt the consensus splice site. This variant has not been reported in the literature in individuals affected with CIITA-related conditions. This variant is not present in population databases (gnomAD no frequency). This sequence change affects a donor splice site in intron 9 of the CIITA gene. It is expected to disrupt RNA splicing. Variants that disrupt the donor or acceptor splice site typically lead to a loss of protein function (PMID: 16199547), and loss-of-function variants in CIITA are known to be pathogenic (PMID: 8402893, 9099848, 26271388).

Literature cited by the submitters: PubMed 16199547; PubMed 8402893; PubMed 9099848; PubMed 26271388.